The following is an entry in ClinVar:

NM_001014447.3(CPZ):c.1146C>T (p.Gly382=)

Gene: CPZ (carboxypeptidase Z; plus strand). Cytogenetic location: 4p16.1.
Variant type: single nucleotide variant.
Coding change: c.1146C>T on transcript NM_001014447.3 (MANE Select); coding-DNA position 1146, C replaced by T.
Protein change: p.Gly382=; no amino-acid change (glycine 382 retained).
Molecular consequence: synonymous variant.
Genome position (GRCh38, 1-based): chr4:8,607,344, C>T. VCF-style: chr4-8607344-C-T. GRCh37 (hg19) VCF-style: chr4-8609071-C-T.
Other names: c.735C>T, p.Gly245= (NM_001014448.3); c.1113C>T, p.Gly371= (NM_003652.4).
Identifiers: ClinVar variation 4083786 (VCV004083786.8).
Genomic context (GRCh38, chr4:8,607,344, plus strand): 5'-GGCAATCATGAAGTGGATGCAGACCATACCCTTTGTGCTCTCAGCCAGCCTTCATGGGGG[C>T]GACCTGGTGGTGTCCTACCCCTTCGACTTCTCCAAGCACCCCCAGGAGGAGAAGATGTTT-3'
Protein context (NP_001014447.2, residues 372-392): PFVLSASLHG[Gly382=]DLVVSYPFDF

ClinVar aggregate classification (germline): Likely benign (1 of 4 stars; one submission).

gnomAD v4.1: 4,343 of 1,614,078 alleles (0.27%); highest among the groups gnomAD compares: Non-Finnish European, 0.27%; 14 homozygotes.

Submission:

CeGaT Center for Human Genetics Tuebingen
Classification: Likely benign. Last evaluated: 2025-06-01. Review status: criteria provided, single submitter. Criteria: CeGaT Center For Human Genetics Tuebingen Variant Classification Criteria Version 2. Collection method: clinical testing. Allele origin: germline. Affected: yes. Observed: 1 variant allele.
Comment: CPZ: BP4, BP7